The following is an entry in ClinVar:

NM_016312.3(WBP11):c.521+1G>A

Gene: WBP11 (WW domain binding protein 11; minus strand). Cytogenetic location: 12p12.3.
Variant type: single nucleotide variant.
Coding change: c.521+1G>A on transcript NM_016312.3 (MANE Select); the canonical splice donor site of the intron after coding-DNA position 521, G replaced by A.
Molecular consequence: splice donor variant.
Genome position (GRCh38, 1-based): chr12:14,794,970, C>T on the plus strand (G>A on the coding strand, the complement: WBP11 is on the minus strand). VCF-style: chr12-14794970-C-T. GRCh37 (hg19) VCF-style: chr12-14947904-C-T.
Identifiers: ClinVar variation 3980647 (VCV003980647.1).

ClinVar aggregate classification (germline): Likely pathogenic (1 of 4 stars; one submission).

Conditions:
Inborn genetic diseases. Identifiers: MedGen C0950123, MeSH D030342.

Submission:

Ambry Genetics
Classification: Likely pathogenic for Inborn genetic diseases. Last evaluated: 2025-04-29. Review status: criteria provided, single submitter. Criteria: Ambry Variant Classification Scheme 2023. Collection method: clinical testing. Allele origin: germline.
Comment: The c.521+1G>A intronic variant results from a G to A substitution one nucleotide after coding exon 5 of the WBP11 gene. Alterations that disrupt the canonical splice site are expected to cause aberrant splicing, resulting in an abnormal protein or a transcript that is subject to nonsense-mediated mRNA decay. This variant was not reported in population-based cohorts in the Genome Aggregation Database (gnomAD). This nucleotide position is highly conserved in available vertebrate species. In silico splice site analysis predicts that this alteration will weaken the native splice donor site. Based on the available evidence, this alteration is classified as likely pathogenic.